The following is an entry in ClinVar:

NM_001130438.3(SPTAN1):c.7299G>T (p.Glu2433Asp)

Gene: SPTAN1 (spectrin alpha, non-erythrocytic 1; plus strand). Cytogenetic location: 9q34.11.
Variant type: single nucleotide variant.
Coding change: c.7299G>T on transcript NM_001130438.3 (MANE Select); coding-DNA position 7299, G replaced by T.
Protein change: p.Glu2433Asp; replaces glutamic acid 2433 with aspartic acid.
Molecular consequence: missense variant.
Genome position (GRCh38, 1-based): chr9:128,632,946, G>T. VCF-style: chr9-128632946-G-T. GRCh37 (hg19) VCF-style: chr9-131395225-G-T.
Other names: c.7224G>T, p.Glu2408Asp (NM_001195532.2); c.7362G>T, p.Glu2454Asp (NM_001363759.2); c.7239G>T, p.Glu2413Asp (NM_001363765.2, NM_001375314.2); c.7386G>T, p.Glu2462Asp (NM_001375310.1); c.7299G>T, p.Glu2433Asp (NM_001375311.2); c.7335G>T, p.Glu2445Asp (NM_001375312.2); c.7281G>T, p.Glu2427Asp (NM_001375313.1); c.7398G>T, p.Glu2466Asp (NM_001375318.1); and 1 more; short protein forms E2428D, E2445D, E2466D, E2408D, E2413D, E2427D, E2433D, E2454D.
Identifiers: ClinVar variation 2188093 (VCV002188093.6), dbSNP rs753021419, ClinGen allele CA5266049.
Genomic context (GRCh38, chr9:128,632,946, plus strand): 5'-GATTGAGAGCGCCTTCCGGGCCCTCAGCTCAGAGGGAAAGCCTTACGTGACCAAGGAGGA[G>T]CTCTACCAGGTATGGGCCTCAGGAGGTGGGTGAAGAGGTGTCCTTTGGAAAACTAAAGCC-3'
Protein context (NP_001123910.1, residues 2423-2443): SEGKPYVTKE[Glu2433Asp]LYQNLTREQA

ClinVar aggregate classification (germline): Uncertain significance. Review status: criteria provided, multiple submitters, no conflicts (2 of 4 stars). 2 submissions from 2 submitters: Uncertain significance (2). Last evaluated 2026-01-15.

Conditions:
Early-infantile DEE. Also called: Early infantile epileptic encephalopathy; Ohtahara syndrome; Early infantile epileptic encephalopathy with suppression bursts. Identifiers: Orphanet 1934, MedGen C0393706, MONDO:0800491.
Developmental and epileptic encephalopathy, 5 (DEE5). Identifiers: Orphanet 3451, MedGen C3150731, MONDO:0013277, OMIM 613477.

Allele frequency attached by ClinVar (database versions not stated): ExAC 0.00004.
gnomAD v4.1: 10 of 1,612,416 alleles (0.00062%); highest among the groups gnomAD compares: Non-Finnish European, 0.00085%; no homozygotes.

Submissions (2):

Dasa
Classification: Uncertain significance for Developmental and epileptic encephalopathy, 5. Last evaluated: 2026-01-15. Review status: criteria provided, single submitter. Criteria: DASA Assertion Criteria. Collection method: clinical testing. Allele origin: germline.
Comment: NM_001130438.3(SPTAN1):c.7299G>T (p.Glu2433Asp) is a missense variant that results in the substitution of glutamic acid with aspartic acid. This variant is rare in population databases. The currently available literature and clinical evidence are not sufficient to establish a definitive association between this variant and the reported condition. Therefore, this variant is classified as a variant of uncertain significance.

Labcorp Genetics (formerly Invitae), Labcorp
Classification: Uncertain significance for Early-infantile DEE. Last evaluated: 2024-06-04. Review status: criteria provided, single submitter. Criteria: Invitae Variant Classification Sherloc (09022015). Collection method: clinical testing. Allele origin: germline.
Comment: This sequence change replaces glutamic acid, which is acidic and polar, with aspartic acid, which is acidic and polar, at codon 2433 of the SPTAN1 protein (p.Glu2433Asp). This variant is present in population databases (rs753021419, gnomAD 0.005%). This variant has not been reported in the literature in individuals affected with SPTAN1-related conditions. ClinVar contains an entry for this variant (Variation ID: 2188093). Advanced modeling of protein sequence and biophysical properties (such as structural, functional, and spatial information, amino acid conservation, physicochemical variation, residue mobility, and thermodynamic stability) has been performed at Invitae for this missense variant, however the output from this modeling did not meet the statistical confidence thresholds required to predict the impact of this variant on SPTAN1 protein function. In summary, the available evidence is currently insufficient to determine the role of this variant in disease. Therefore, it has been classified as a Variant of Uncertain Significance.